The following is an entry in ClinVar:

NM_014244.5(ADAMTS2):c.1763G>A (p.Cys588Tyr)

Gene: ADAMTS2 (ADAM metallopeptidase with thrombospondin type 1 motif 2; minus strand). Cytogenetic location: 5q35.3.
Variant type: single nucleotide variant.
Coding change: c.1763G>A on transcript NM_014244.5 (MANE Select); coding-DNA position 1763, G replaced by A.
Protein change: p.Cys588Tyr; replaces cysteine 588 with tyrosine.
Molecular consequence: missense variant.
Genome position (GRCh38, 1-based): chr5:179,139,902, C>T on the plus strand (G>A on the coding strand, the complement: ADAMTS2 is on the minus strand). VCF-style: chr5-179139902-C-T. GRCh37 (hg19) VCF-style: chr5-178566903-C-T.
Other names: short protein forms C588Y.
Identifiers: ClinVar variation 4536749 (VCV004536749.1).
Genomic context (GRCh38, chr5:179,139,902, plus strand): 5'-CCCTCAGCTGCCACTCAGCAAGGCCAGGGGGACATGGGGCCAACTCACTGTGGGTTGTCA[C>T]ACTGGCGGGTCCTGAACTTCACGCCCGTGCCACAGGTACGTGAGCAGGAGCCAAACGGAC-3'
Protein context (NP_055059.2, residues 578-598): GTGVKFRTRQ[Cys588Tyr]DNPHPANGGR

ClinVar aggregate classification (germline): Uncertain significance (1 of 4 stars; one submission).

Submission:

Women's Health and Genetics/Laboratory Corporation of America, LabCorp
Classification: Uncertain significance. Last evaluated: 2025-11-13. Review status: criteria provided, single submitter. Criteria: LabCorp Variant Classification Summary - May 2015. Collection method: clinical testing. Allele origin: germline.
Comment: Variant summary: ADAMTS2 c.1763G>A (p.Cys588Tyr) results in a non-conservative amino acid change in the encoded protein sequence. Algorithms developed to predict the effect of missense changes on protein structure and function all suggest that this variant is likely to be disruptive. The variant was absent in 251112 control chromosomes. The available data on variant occurrences in the general population are insufficient to allow any conclusion about variant significance. To our knowledge, no occurrence of c.1763G>A in individuals affected with ADAMTS2-related conditions and no experimental evidence demonstrating its impact on protein function have been reported. No submitters have cited clinical-significance assessments for this variant to ClinVar. Based on the evidence outlined above, the variant was classified as uncertain significance.